The following is an entry in ClinVar:

NM_001953.5(TYMP):c.1174G>C (p.Val392Leu)

Genes: SCO2 (synthesis of cytochrome C oxidase 2; minus strand), TYMP (thymidine phosphorylase; minus strand), LOC130067862 (ATAC-STARR-seq lymphoblastoid silent region 13986; plus strand). Cytogenetic location: 22q13.33.
Variant type: single nucleotide variant.
Coding change: c.1174G>C on transcript NM_001953.5 (MANE Select); coding-DNA position 1174, G replaced by C.
Protein change: p.Val392Leu; replaces valine 392 with leucine.
Molecular consequence: missense variant. On other transcripts: 5 prime UTR variant (1), intron variant (1).
Genome position (GRCh38, 1-based): chr22:50,526,127, C>G on the plus strand (G>C on the coding strand, the complement: TYMP is on the minus strand). VCF-style: chr22-50526127-C-G. GRCh37 (hg19) VCF-style: chr22-50964556-C-G.
Other names: c.1174G>C, p.Val392Leu (NM_001113755.3, NM_001113756.3, NM_001257988.1); c.1189G>C, p.Val397Leu (NM_001257989.1); c.-140G>C (NM_001169110.1); c.-14+119G>C (NM_001169109.2); short protein forms V392L, V397L.
Identifiers: ClinVar variation 2160773 (VCV002160773.2), dbSNP rs1157560052, ClinGen allele CA412197094.
Genomic context (GRCh38, chr22:50,526,127, plus strand): 5'-CAGCGCGGCTGCGCCCGGCCCCGAGCTCGTGCAGCACCAGCGCCAGCGGCAGCGCCCGGA[C>G]CAGCTCCACGGTGCCTGCGGGGAGAGGGGCTGAGAGGCGCGGGCTCGGGAAGGGGCGGGG-3'
Protein context (NP_001944.1, residues 382-402): LAPADGTVEL[Val392Leu]RALPLALVLH

ClinVar aggregate classification (germline): Uncertain significance (1 of 4 stars; one submission).

gnomAD v4.1: 12 of 1,488,776 alleles (0.00081%); highest among the groups gnomAD compares: South Asian, 0.013%; no homozygotes.

Submission:

Labcorp Genetics (formerly Invitae), Labcorp
Classification: Uncertain significance. Last evaluated: 2024-02-17. Review status: criteria provided, single submitter. Criteria: Invitae Variant Classification Sherloc (09022015). Collection method: clinical testing. Allele origin: germline.
Comment: This sequence change replaces valine, which is neutral and non-polar, with leucine, which is neutral and non-polar, at codon 392 of the TYMP protein (p.Val392Leu). This variant is present in population databases (no rsID available, gnomAD 0.02%). This variant has not been reported in the literature in individuals affected with TYMP-related conditions. ClinVar contains an entry for this variant (Variation ID: 2160773). Advanced modeling of protein sequence and biophysical properties (such as structural, functional, and spatial information, amino acid conservation, physicochemical variation, residue mobility, and thermodynamic stability) performed at Invitae indicates that this missense variant is not expected to disrupt TYMP protein function with a negative predictive value of 95%. In summary, the available evidence is currently insufficient to determine the role of this variant in disease. Therefore, it has been classified as a Variant of Uncertain Significance.